The following is an entry in ClinVar:

ClinVar aggregate classification (germline): Uncertain significance (1 of 4 stars; one submission).

Conditions:
Hereditary cancer-predisposing syndrome. Also called: Neoplastic Syndromes, Hereditary; Tumor predisposition; Hereditary Cancer Syndrome; Hereditary neoplastic syndrome. Identifiers: Orphanet 140162, MedGen C0027672, MeSH D009386, MONDO:0015356.

Submission:

Color Diagnostics, LLC DBA Color Health
Classification: Uncertain significance for Hereditary cancer-predisposing syndrome. Last evaluated: 2024-03-06. Review status: criteria provided, single submitter. Criteria: ACMG Guidelines, 2015. Collection method: clinical testing. Allele origin: germline.
Comment: This missense variant replaces glutamine with histidine at codon 355 of the BAP1 protein. Computational prediction suggests that this variant may not impact protein structure and function (internally defined REVEL score threshold <= 0.5, PMID: 27666373). To our knowledge, functional studies have not been reported for this variant. This variant has not been reported in individuals affected with hereditary cancer in the literature. This variant has not been identified in the general population by the Genome Aggregation Database (gnomAD). The available evidence is insufficient to determine the role of this variant in disease conclusively. Therefore, this variant is classified as a Variant of Uncertain Significance.

NM_004656.4(BAP1):c.1065G>C (p.Gln355His)

Gene: BAP1 (BRCA1 associated deubiquitinase 1; minus strand). Cytogenetic location: 3p21.1.
Variant type: single nucleotide variant.
Coding change: c.1065G>C on transcript NM_004656.4 (MANE Select); coding-DNA position 1065, G replaced by C.
Protein change: p.Gln355His; replaces glutamine 355 with histidine.
Molecular consequence: missense variant.
Genome position (GRCh38, 1-based): chr3:52,405,161, C>G on the plus strand (G>C on the coding strand, the complement: BAP1 is on the minus strand). VCF-style: chr3-52405161-C-G. GRCh37 (hg19) VCF-style: chr3-52439177-C-G.
Other names: c.1011G>C, p.Gln337His (NM_001410772.1); short protein forms Q337H, Q355H.
Identifiers: ClinVar variation 2774757 (VCV002774757.2), dbSNP rs766591353, ClinGen allele CA353105592.